The following is an entry in ClinVar:

ClinVar aggregate classification (germline): Conflicting classifications of pathogenicity. Review status: criteria provided, conflicting classifications (1 of 4 stars). 11 submissions from 11 submitters: Uncertain significance (3); Benign (3); Likely benign (5). Last evaluated 2026-04-02.

Conditions:
Tuberous sclerosis 2 (TSC2). Identifiers: Orphanet 805, MedGen C1860707, MONDO:0013199, OMIM 613254.
TSC2-related disorder. Also called: TSC2-related condition; TSC2-Related Disorders.
Hereditary cancer-predisposing syndrome. Also called: Neoplastic Syndromes, Hereditary; Hereditary neoplastic syndrome; Tumor predisposition; Hereditary Cancer Syndrome. Identifiers: Orphanet 140162, MedGen C0027672, MeSH D009386, MONDO:0015356.
Tuberous sclerosis syndrome (TSC). Also called: Tuberous Sclerosis Complex; Tuberous sclerosis. Identifiers: Orphanet 805, MedGen C0041341, MONDO:0001734.

Allele frequency attached by ClinVar (database versions not stated): TOPMed 0.00002; gnomAD exomes 0.00003; gnomAD 0.00004; ExAC 0.00005; 1000 Genomes Project 30x 0.00016; 1000 Genomes Project 0.00020.
gnomAD v4.1: 45 of 1,609,938 alleles (0.0028%); highest among the groups gnomAD compares: African/African-American, 0.0053%; no homozygotes.

Submissions (11):

PreventionGenetics, part of Exact Sciences
Classification: Likely benign for TSC2-related condition. Last evaluated: 2026-04-02. Review status: criteria provided, single submitter. Criteria: ACMG Guidelines, 2015. Collection method: clinical testing. Allele origin: germline.
Comment: This variant is classified as likely benign based on ACMG/AMP sequence variant interpretation guidelines (Richards et al. 2015 PMID: 25741868, with internal and published modifications).

Labcorp Genetics (formerly Invitae), Labcorp
Classification: Benign for Tuberous sclerosis 2. Last evaluated: 2026-01-21. Review status: criteria provided, single submitter. Criteria: Invitae Variant Classification Sherloc (09022015). Collection method: clinical testing. Allele origin: germline.

Myriad Genetics, Inc.
Classification: Benign for Tuberous sclerosis 2. Last evaluated: 2025-05-09. Review status: criteria provided, single submitter. Criteria: Myriad Autosomal Dominant, Autosomal Recessive and X-Linked Classification Criteria (2023). Collection method: clinical testing. Allele origin: unknown.
Comment: This variant is considered benign. This variant is a silent/synonymous amino acid change and it is not expected to impact splicing.

All of Us Research Program, National Institutes of Health
Classification: Uncertain significance for Tuberous sclerosis syndrome. Last evaluated: 2024-04-16. Review status: criteria provided, single submitter. Criteria: ACMG Guidelines, 2015. Collection method: clinical testing. Allele origin: germline. Inheritance: Autosomal dominant inheritance. Observed: 6 variant alleles, 6 heterozygotes.
Comment: This variant is a synonymous variant located at amino acid 253 in the TSC2 protein. Splice site prediction tools suggest that this variant may impact RNA splicing. To our knowledge, RNA studies have not been reported for this variant. This variant has not been reported in individuals affected with TSC2-related disorders in the literature. This variant has been identified in 9/279496 chromosomes in the general population by the Genome Aggregation Database (gnomAD). The available evidence is insufficient to determine the role of this variant in disease conclusively. Therefore, this variant is classified as a Variant of Uncertain Significance.

This study involves interpretation of variants in research participants for the purpose of population health screening. Participant phenotype was not available at the time of variant classification. Additional details can be found in publication PMID: 35346344, PMCID: PMC8962531

ARUP Laboratories, Molecular Genetics and Genomics, ARUP Laboratories
Classification: Likely benign. Last evaluated: 2024-04-10. Review status: criteria provided, single submitter. Criteria: ARUP Molecular Germline Variant Investigation Process 2024. Collection method: clinical testing. Allele origin: germline.

Color Diagnostics, LLC DBA Color Health
Classification: Uncertain significance for Tuberous sclerosis syndrome. Last evaluated: 2024-04-03. Review status: criteria provided, single submitter. Criteria: ACMG Guidelines, 2015. Collection method: clinical testing. Allele origin: germline.
Comment: This variant is a synonymous variant located at amino acid 253 in the TSC2 protein. Splice site prediction tools suggest that this variant may impact RNA splicing. To our knowledge, RNA studies have not been reported for this variant. This variant has not been reported in individuals affected with TSC2-related disorders in the literature. This variant has been identified in 9/279496 chromosomes in the general population by the Genome Aggregation Database (gnomAD). The available evidence is insufficient to determine the role of this variant in disease conclusively. Therefore, this variant is classified as a Variant of Uncertain Significance.

Genome-Nilou Lab
Classification: Benign for Tuberous sclerosis 2. Last evaluated: 2021-11-07. Review status: criteria provided, single submitter. Criteria: ACMG Guidelines, 2015. Collection method: clinical testing. Allele origin: germline. Affected: no.

Sema4
Classification: Likely benign for Hereditary cancer-predisposing syndrome. Last evaluated: 2021-03-24. Review status: criteria provided, single submitter. Criteria: Sema4 Curation Guidelines. Collection method: curation. Allele origin: germline.

GeneDx
Classification: Likely benign. Last evaluated: 2019-04-29. Review status: criteria provided, single submitter. Criteria: GeneDx Variant Classification Process June 2021. Collection method: clinical testing. Allele origin: germline. Affected: yes.

CeGaT Center for Human Genetics Tuebingen
Classification: Uncertain significance. Last evaluated: 2017-02-01. Review status: criteria provided, single submitter. Criteria: CeGaT Center For Human Genetics Tuebingen Variant Classification Criteria Version 2. Collection method: clinical testing. Allele origin: germline. Affected: yes. Observed: 1 variant allele.

Ambry Genetics
Classification: Likely benign for Hereditary cancer-predisposing syndrome. Last evaluated: 2015-03-16. Review status: criteria provided, single submitter. Criteria: Ambry Variant Classification Scheme 2023. Collection method: clinical testing. Allele origin: germline.

NM_000548.5(TSC2):c.759C>T (p.Cys253=)

Gene: TSC2 (TSC complex subunit 2; plus strand). Cytogenetic location: 16p13.3.
Variant type: single nucleotide variant.
Coding change: c.759C>T on transcript NM_000548.5 (MANE Select); coding-DNA position 759, C replaced by T.
Protein change: p.Cys253=; no amino-acid change (cysteine 253 retained).
Molecular consequence: synonymous variant.
Genome position (GRCh38, 1-based): chr16:2,056,754, C>T. VCF-style: chr16-2056754-C-T. GRCh37 (hg19) VCF-style: chr16-2106755-C-T.
Other names: c.759C>T, p.Cys253= (NM_001077183.3, NM_001114382.3, NM_001363528.2 and 3 more transcripts); c.648C>T, p.Cys216= (NM_001318827.2); c.612C>T, p.Cys204= (NM_001318829.2); c.159C>T, p.Cys53= (NM_001318831.2); c.792C>T, p.Cys264= (NM_001318832.2); c.759C>T (NM_000548.4).
Identifiers: ClinVar variation 389500 (VCV000389500.64), dbSNP rs45517125, ClinGen allele CA056333.